The following is an entry in ClinVar:

NM_000548.5(TSC2):c.4313G>C (p.Arg1438Pro)

Gene: TSC2 (TSC complex subunit 2; plus strand). Cytogenetic location: 16p13.3.
Variant type: single nucleotide variant.
Coding change: c.4313G>C on transcript NM_000548.5 (MANE Select); coding-DNA position 4313, G replaced by C.
Protein change: p.Arg1438Pro; replaces arginine 1438 with proline.
Molecular consequence: missense variant. On other transcripts: non-coding transcript variant (5).
Genome position (GRCh38, 1-based): chr16:2,084,535, G>C. VCF-style: chr16-2084535-G-C. GRCh37 (hg19) VCF-style: chr16-2134536-G-C.
Other names: c.2510G>C, p.Arg837Pro (NM_001406698.1); c.4184G>C, p.Arg1395Pro (NM_021055.3, NM_001370405.1); c.2768G>C, p.Arg923Pro (NM_001406695.1, NM_001406696.1, NM_001406697.1); c.4112G>C, p.Arg1371Pro (NM_001077183.3); c.4244G>C, p.Arg1415Pro (NM_001114382.3); c.4004G>C, p.Arg1335Pro (NM_001318827.2); c.3968G>C, p.Arg1323Pro (NM_001318829.2); c.3581G>C, p.Arg1194Pro (NM_001318831.2); and 26 more; short protein forms R1171P, R1214P, R1352P, R1371P, R1401P, R1412P, R1437P, R837P.
Identifiers: ClinVar variation 3638025 (VCV003638025.3).

ClinVar aggregate classification (germline): Conflicting classifications of pathogenicity. Review status: criteria provided, conflicting classifications (1 of 4 stars). 2 submissions from 2 submitters: Uncertain significance (1); Benign (1). Last evaluated 2026-03-22.

Conditions:
Hereditary cancer-predisposing syndrome. Also called: Hereditary neoplastic syndrome; Tumor predisposition; Hereditary Cancer Syndrome; Neoplastic Syndromes, Hereditary. Identifiers: Orphanet 140162, MedGen C0027672, MeSH D009386, MONDO:0015356.
Tuberous sclerosis 2 (TSC2). Identifiers: Orphanet 805, MedGen C1860707, MONDO:0013199, OMIM 613254.

gnomAD v4.1: 5 of 1,609,372 alleles (0.00031%); highest among the groups gnomAD compares: East Asian, 0.0022%; no homozygotes.

Submissions (2):

Ambry Genetics
Classification: Uncertain significance for Hereditary cancer-predisposing syndrome. Last evaluated: 2026-03-22. Review status: criteria provided, single submitter. Criteria: Ambry Variant Classification Scheme 2023. Collection method: clinical testing. Allele origin: germline.
Comment: The p.R1438P variant (also known as c.4313G>C), located in coding exon 33 of the TSC2 gene, results from a G to C substitution at nucleotide position 4313. The arginine at codon 1438 is replaced by proline, an amino acid with dissimilar properties. This amino acid position is conserved. In addition, the in silico prediction for this alteration is inconclusive. Based on the available evidence, the clinical significance of this variant remains unclear.

Labcorp Genetics (formerly Invitae), Labcorp
Classification: Benign for Tuberous sclerosis 2. Last evaluated: 2024-09-28. Review status: criteria provided, single submitter. Criteria: Invitae Variant Classification Sherloc (09022015). Collection method: clinical testing. Allele origin: germline.